The following is an entry in ClinVar:

NM_004839.4(HOMER2):c.5+7_5+34del

Gene: HOMER2 (homer scaffold protein 2; minus strand). Cytogenetic location: 15q25.2.
Variant type: Deletion.
Coding change: c.5+7_5+34del on transcript NM_004839.4 (MANE Select); bases 7 to 34 of the intron after coding-DNA position 5, 28 bases deleted (GAGCCCGCGCCGCGCGCTCTCCGCGCGC).
Molecular consequence: intron variant.
Genome position (GRCh38, 1-based): chr15:82,952,497-82,952,524, GCGCGCGGAGAGCGCGCGGCGCGGGCTC deleted on the plus strand (GAGCCCGCGCCGCGCGCTCTCCGCGCGC on the coding strand, the reverse complement: HOMER2 is on the minus strand). VCF-style (leftmost placement, unchanged base first): chr15-82952496-GGCGCGCGGAGAGCGCGCGGCGCGGGCTC-G. GRCh37 (hg19) VCF-style: chr15-83621248-GGCGCGCGGAGAGCGCGCGGCGCGGGCTC-G.
Other names: c.5+7_5+34del (NM_199330.3).
Identifiers: ClinVar variation 2792331 (VCV002792331.3), dbSNP rs2505828645, ClinGen allele CA2739269635.

ClinVar aggregate classification (germline): Uncertain significance (1 of 4 stars; one submission).

Submission:

Labcorp Genetics (formerly Invitae), Labcorp
Classification: Uncertain significance. Last evaluated: 2023-11-28. Review status: criteria provided, single submitter. Criteria: Invitae Variant Classification Sherloc (09022015). Collection method: clinical testing. Allele origin: germline.
Comment: This sequence change falls in intron 1 of the HOMER2 gene. It does not directly change the encoded amino acid sequence of the HOMER2 protein. This variant is not present in population databases (gnomAD no frequency). This variant has not been reported in the literature in individuals affected with HOMER2-related conditions. Experimental studies and prediction algorithms are not available or were not evaluated, and the effect of this variant on mRNA splicing is currently unknown. In summary, the available evidence is currently insufficient to determine the role of this variant in disease. Therefore, it has been classified as a Variant of Uncertain Significance.